The following is an entry in ClinVar:

ClinVar aggregate classification (germline): Uncertain significance (1 of 4 stars; one submission).

Conditions:
Intellectual developmental disorder, autosomal dominant 6, with or without seizures. Also called: GRIN2B-related developmental delay, intellectual disability and autism spectrum disorder; Intellectual disability, autosomal dominant 6. Identifiers: Orphanet 589547, MedGen C3151411, MONDO:0013509, OMIM 613970.
Developmental and epileptic encephalopathy, 27 (DEE27). Also called: GRIN2B-Related Neurodevelopmental Disorder; Epileptic encephalopathy, early infantile, 27. Identifiers: Orphanet 3451, MedGen C4015316, MONDO:0014505, OMIM 616139.

Submission:

Labcorp Genetics (formerly Invitae), Labcorp
Classification: Uncertain significance for Developmental and epileptic encephalopathy, 27; Intellectual developmental disorder, autosomal dominant 6, with or without seizures. Last evaluated: 2020-11-13. Review status: criteria provided, single submitter. Criteria: Invitae Variant Classification Sherloc (09022015). Collection method: clinical testing. Allele origin: germline.
Comment: This sequence change replaces aspartic acid with glutamic acid at codon 447 of the GRIN2B protein (p.Asp447Glu). The aspartic acid residue is highly conserved and there is a small physicochemical difference between aspartic acid and glutamic acid. This variant is not present in population databases (ExAC no frequency). This variant has not been reported in the literature in individuals with GRIN2B-related conditions. Advanced modeling of protein sequence and biophysical properties (such as structural, functional, and spatial information, amino acid conservation, physicochemical variation, residue mobility, and thermodynamic stability) performed at Invitae indicates that this missense variant is not expected to disrupt GRIN2B protein function. In summary, the available evidence is currently insufficient to determine the role of this variant in disease. Therefore, it has been classified as a Variant of Uncertain Significance.

NM_000834.5(GRIN2B):c.1341C>G (p.Asp447Glu)

Gene: GRIN2B (glutamate ionotropic receptor NMDA type subunit 2B; minus strand). Cytogenetic location: 12p13.1.
Variant type: single nucleotide variant.
Coding change: c.1341C>G on transcript NM_000834.5 (MANE Select); coding-DNA position 1341, C replaced by G.
Protein change: p.Asp447Glu; replaces aspartic acid 447 with glutamic acid.
Molecular consequence: missense variant.
Genome position (GRCh38, 1-based): chr12:13,615,652, G>C on the plus strand (C>G on the coding strand, the complement: GRIN2B is on the minus strand). VCF-style: chr12-13615652-G-C. GRCh37 (hg19) VCF-style: chr12-13768586-G-C.
Other names: short protein forms D447E.
Identifiers: ClinVar variation 1422381 (VCV001422381.6), dbSNP rs35025065, ClinGen allele CA384052397.